The following is an entry in ClinVar:

ClinVar aggregate classification (germline): Uncertain significance (1 of 4 stars; one submission).

Conditions:
Alstrom syndrome (ALMS). Identifiers: Orphanet 64, MedGen C0268425, MONDO:0008763, OMIM 203800.

Submission:

Foundation for Research in Genetics and Endocrinology, FRIGE's Institute of Human Genetics
Classification: Uncertain significance for Alstrom syndrome. Last evaluated: 2022-02-08. Review status: criteria provided, single submitter. Criteria: ACMG Guidelines, 2015. Collection method: clinical testing. Allele origin: germline. Inheritance: Autosomal recessive inheritance. Affected: yes. Observed: 1 heterozygote.
Comment: A heterozygous missense variation in exon 16 of the ALMS1 gene that results in the amino acid substitution of lysine for Glutamic acid at codon 3777 was detected. The observed variant c.11329G>A (p.Glu3777Lys) has a MAF of 0.01% and 0.002% in the 1000 genomes and gnomAD databases respectively. The in silico prediction of the variant are possibly damaging by PolyPhen-2 (HumDiv) and damaging by SIFT. The reference codon is conserved across species. In summary, the variant meets our criteria to be classified as a variant of uncertain significance.

NM_001378454.1(ALMS1):c.11326C>T (p.His3776Tyr)

Gene: ALMS1 (ALMS1 centrosome and basal body associated protein; plus strand). Cytogenetic location: 2p13.1.
Variant type: single nucleotide variant.
Coding change: c.11326C>T on transcript NM_001378454.1 (MANE Select); coding-DNA position 11326, C replaced by T.
Protein change: p.His3776Tyr; replaces histidine 3776 with tyrosine.
Molecular consequence: missense variant.
Genome position (GRCh38, 1-based): chr2:73,573,203, C>T. VCF-style: chr2-73573203-C-T. GRCh37 (hg19) VCF-style: chr2-73800330-C-T.
Other names: p.Glu3777L; c.11329C>T, p.His3777Tyr (NM_015120.4); short protein forms H3776Y, H3777Y.
Identifiers: ClinVar variation 1678543 (VCV001678543.3), dbSNP rs2104107559, ClinGen allele CA347289071.
Genomic context (GRCh38, chr2:73,573,203, plus strand): 5'-GGCACCACTTCTACTGTCGAATCAGATATATTGACCCAAACAGATAGAGAGGTGGCTCTG[C>T]ACGAAAGGAGTAGCTCTGTTTCCACTATTGACACTGCCCGGCTGATTCAAGCTTTTGGCC-3'
Protein context (NP_001365383.1, residues 3766-3786): LTQTDREVAL[His3776Tyr]ERSSSVSTID